The following is an entry in ClinVar:

ClinVar aggregate classification (germline): Uncertain significance (0 of 4 stars; one submission).

Conditions:
SEMA3G-related disorder. Also called: SEMA3G-related condition.

Submission:

PreventionGenetics, part of Exact Sciences
Classification: Uncertain significance for SEMA3G-related condition. Last evaluated: 2024-09-16. Review status: no assertion criteria provided. Collection method: clinical testing. Allele origin: germline.
Comment: The SEMA3G c.2191T>C variant is predicted to result in the amino acid substitution p.Cys731Arg. To our knowledge, this variant has not been reported in the literature or in a large population database, indicating this variant is rare. At this time, the clinical significance of this variant is uncertain due to the absence of conclusive functional and genetic evidence.

NM_020163.3(SEMA3G):c.2191T>C (p.Cys731Arg)

Gene: SEMA3G (semaphorin 3G; minus strand). Cytogenetic location: 3p21.1.
Variant type: single nucleotide variant.
Coding change: c.2191T>C on transcript NM_020163.3 (MANE Select); coding-DNA position 2191, T replaced by C.
Protein change: p.Cys731Arg; replaces cysteine 731 with arginine.
Molecular consequence: missense variant.
Genome position (GRCh38, 1-based): chr3:52,435,761, A>G on the plus strand (T>C on the coding strand, the complement: SEMA3G is on the minus strand). VCF-style: chr3-52435761-A-G. GRCh37 (hg19) VCF-style: chr3-52469777-A-G.
Other names: short protein forms C731R.
Identifiers: ClinVar variation 3349149 (VCV003349149.1).